The following is an entry in ClinVar:

ClinVar aggregate classification (germline): Uncertain significance. Review status: criteria provided, multiple submitters, no conflicts (2 of 4 stars). 5 submissions from 5 submitters: Uncertain significance (5). Last evaluated 2023-12-20.

Conditions:
Macular corneal dystrophy (MCD). Also called: GROENOUW TYPE II CORNEAL DYSTROPHY; Macular corneal dystrophy Type I. Identifiers: Orphanet 98969, MedGen C1636149, MONDO:0009020, OMIM 217800.
Inborn genetic diseases. Identifiers: MedGen C0950123, MeSH D030342.

Allele frequency attached by ClinVar (database versions not stated): ESP Exome Variant Server 0.00008; gnomAD 0.00008 and 0.00010; TOPMed 0.00011.
gnomAD v4.1: 129 of 1,613,520 alleles (0.008%); highest among the groups gnomAD compares: Middle Eastern, 0.25%; 1 homozygote.

Submissions (5):

Ambry Genetics
Classification: Uncertain significance for Inborn genetic diseases. Last evaluated: 2023-12-20. Review status: criteria provided, single submitter. Criteria: Ambry Variant Classification Scheme 2023. Collection method: clinical testing. Allele origin: germline.

Labcorp Genetics (formerly Invitae), Labcorp
Classification: Uncertain significance for Macular corneal dystrophy. Last evaluated: 2023-08-10. Review status: criteria provided, single submitter. Criteria: Invitae Variant Classification Sherloc (09022015). Collection method: clinical testing. Allele origin: germline.
Comment: This sequence change replaces valine, which is neutral and non-polar, with alanine, which is neutral and non-polar, at codon 361 of the CHST6 protein (p.Val361Ala). This variant is present in population databases (rs150880663, gnomAD 0.02%). This variant has not been reported in the literature in individuals affected with CHST6-related conditions. ClinVar contains an entry for this variant (Variation ID: 320602). Advanced modeling of protein sequence and biophysical properties (such as structural, functional, and spatial information, amino acid conservation, physicochemical variation, residue mobility, and thermodynamic stability) performed at Invitae indicates that this missense variant is not expected to disrupt CHST6 protein function. In summary, the available evidence is currently insufficient to determine the role of this variant in disease. Therefore, it has been classified as a Variant of Uncertain Significance.

Baylor Genetics
Classification: Uncertain significance for Macular corneal dystrophy. Last evaluated: 2019-12-05. Review status: criteria provided, single submitter. Criteria: ACMG Guidelines, 2015. Collection method: clinical testing. Allele origin: unknown. Affected: yes.
Comment: This variant was determined to be of uncertain significance according to ACMG Guidelines, 2015 [PMID:25741868].

Illumina Laboratory Services, Illumina
Classification: Uncertain significance for Macular corneal dystrophy. Last evaluated: 2018-01-12. Review status: criteria provided, single submitter. Criteria: ICSL Variant Classification Criteria 13 December 2019. Collection method: clinical testing. Allele origin: germline.

Breakthrough Genomics
Classification: Uncertain significance. Review status: criteria provided, single submitter. Criteria: ACMG Guidelines, 2015. Collection method: not provided. Allele origin: germline. Inheritance: Autosomal recessive inheritance. Affected: yes.

NM_021615.5(CHST6):c.1082T>C (p.Val361Ala)

Gene: CHST6 (carbohydrate sulfotransferase 6; minus strand). Cytogenetic location: 16q23.1.
Variant type: single nucleotide variant.
Coding change: c.1082T>C on transcript NM_021615.5 (MANE Select); coding-DNA position 1082, T replaced by C.
Protein change: p.Val361Ala; replaces valine 361 with alanine.
Molecular consequence: missense variant.
Genome position (GRCh38, 1-based): chr16:75,478,747, A>G on the plus strand (T>C on the coding strand, the complement: CHST6 is on the minus strand). VCF-style: chr16-75478747-A-G. GRCh37 (hg19) VCF-style: chr16-75512645-A-G.
Other names: short protein forms V361A.
Identifiers: ClinVar variation 320602 (VCV000320602.16), dbSNP rs150880663, ClinGen allele CA8175297.
Genomic context (GRCh38, chr16:75,478,747, plus strand): 5'-TTCAGGCCTCGTGGCAGCACCAGATCAAGGGCGAGGTTGCGCTGCTCGTCCTCAGAGTAC[A>G]CAGGCCGGTAGCCCAGCAGCTGCAGCGCACCAGCGCACAGTTCCTGCACGCGGCGGATCT-3'
Protein context (NP_067628.1, residues 351-371): GALQLLGYRP[Val361Ala]YSEDEQRNLA